The following is an entry in ClinVar:

NM_005732.4(RAD50):c.3429_3432del (p.Asn1144fs)

Genes: TH2LCRR (T helper type 2 locus control region associated RNA; minus strand), RAD50 (RAD50 double strand break repair protein; plus strand), TH2-LCR (Th2 cytokine locus control region; plus strand). Cytogenetic location: 5q31.1.
Variant type: Deletion.
Coding change: c.3429_3432del on transcript NM_005732.4 (MANE Select); coding-DNA positions 3429 to 3432, 4 bases deleted (CAAT; older notation c.3429_3432delCAAT).
Protein change: p.Asn1144fs; shifts the reading frame from asparagine 1144.
Molecular consequence: frameshift variant.
Genome position (GRCh38, 1-based): chr5:132,637,154-132,637,157, CAAT deleted; deleting any 4 consecutive bases within chr5:132,637,151-132,637,157 gives the same sequence; the c. name uses the placement nearest the transcript's 3' end. VCF-style (leftmost placement, unchanged base first): chr5-132637150-AAATC-A. GRCh37 (hg19) VCF-style: chr5-131972842-AAATC-A.
Other names: short protein forms N1144fs.
Identifiers: ClinVar variation 2799849 (VCV002799849.3), dbSNP rs2479424740, ClinGen allele CA2739275067.
Genomic context (GRCh38, chr5:132,637,150, plus strand): 5'-AAGTACCAATGACTTCCTTTTCCAGAGCAATAATGAAATTTCACAGTATGAAAATGGAAG[AAATC>A]AATAAAATTATACGTGACCTGTGGCGAAGTACCTATCGTGGACAAGGTGAGTACCATGGT-3'

ClinVar aggregate classification (germline): Pathogenic (1 of 4 stars; one submission).

Conditions:
Hereditary cancer-predisposing syndrome. Also called: Hereditary neoplastic syndrome; Neoplastic Syndromes, Hereditary; Hereditary Cancer Syndrome; Tumor predisposition. Identifiers: Orphanet 140162, MedGen C0027672, MeSH D009386, MONDO:0015356.

Submission:

Labcorp Genetics (formerly Invitae), Labcorp
Classification: Pathogenic for Hereditary cancer-predisposing syndrome. Last evaluated: 2022-11-06. Review status: criteria provided, single submitter. Criteria: Invitae Variant Classification Sherloc (09022015). Collection method: clinical testing. Allele origin: germline.
Comment: For these reasons, this variant has been classified as Pathogenic. This variant has not been reported in the literature in individuals affected with RAD50-related conditions. This variant is not present in population databases (gnomAD no frequency). This sequence change creates a premature translational stop signal (p.Asn1144Lysfs*19) in the RAD50 gene. It is expected to result in an absent or disrupted protein product. Loss-of-function variants in RAD50 are known to be pathogenic (PMID: 19409520).

Literature cited by the submitters: PubMed 19409520.